The following is an entry in ClinVar:

ClinVar aggregate classification (germline): Uncertain significance. Review status: criteria provided, multiple submitters, no conflicts (2 of 4 stars). 2 submissions from 2 submitters: Uncertain significance (2). Last evaluated 2025-04-22.

Conditions:
TALDO1-related disorder. Also called: TALDO1-related condition.

Allele frequency attached by ClinVar (database versions not stated): gnomAD 0.00002; ExAC 0.00003; gnomAD exomes 0.00003; TOPMed 0.00003.
gnomAD v4.1: 45 of 1,614,162 alleles (0.0028%); highest among the groups gnomAD compares: Admixed American, 0.0083%; no homozygotes.

Submissions (2):

PreventionGenetics, part of Exact Sciences
Classification: Uncertain significance for TALDO1-related condition. Last evaluated: 2025-04-22. Review status: criteria provided, single submitter. Criteria: ACMG Guidelines, 2015. Collection method: clinical testing. Allele origin: germline.
Comment: The TALDO1 c.898G>A variant is predicted to result in the amino acid substitution p.Glu300Lys. To our knowledge, this variant has not been reported in the literature. This variant is reported in 0.0056% of alleles in individuals of Latino descent in gnomAD. At this time, the clinical significance of this variant is uncertain due to the absence of conclusive functional and genetic evidence.

Labcorp Genetics (formerly Invitae), Labcorp
Classification: Uncertain significance. Last evaluated: 2022-02-09. Review status: criteria provided, single submitter. Criteria: Invitae Variant Classification Sherloc (09022015). Collection method: clinical testing. Allele origin: germline.
Comment: This sequence change replaces glutamic acid, which is acidic and polar, with lysine, which is basic and polar, at codon 300 of the TALDO1 protein (p.Glu300Lys). This variant is present in population databases (rs1804554, gnomAD 0.01%). This variant has not been reported in the literature in individuals affected with TALDO1-related conditions. Algorithms developed to predict the effect of missense changes on protein structure and function (SIFT, PolyPhen-2, Align-GVGD) all suggest that this variant is likely to be disruptive. In summary, the available evidence is currently insufficient to determine the role of this variant in disease. Therefore, it has been classified as a Variant of Uncertain Significance.

NM_006755.2(TALDO1):c.898G>A (p.Glu300Lys)

Gene: TALDO1 (transaldolase 1; plus strand). Cytogenetic location: 11p15.5.
Variant type: single nucleotide variant.
Coding change: c.898G>A on transcript NM_006755.2 (MANE Select); coding-DNA position 898, G replaced by A.
Protein change: p.Glu300Lys; replaces glutamic acid 300 with lysine.
Molecular consequence: missense variant.
Genome position (GRCh38, 1-based): chr11:764,350, G>A. VCF-style: chr11-764350-G-A. GRCh37 (hg19) VCF-style: chr11-764350-G-A.
Other names: c.898G>A (NM_006755.1); short protein forms E300K.
Identifiers: ClinVar variation 1926811 (VCV001926811.4), dbSNP rs1804554, ClinGen allele CA5788348.